The following is an entry in ClinVar:

NM_004646.4(NPHS1):c.1760T>G (p.Leu587Arg)

Gene: NPHS1 (NPHS1 adhesion molecule, nephrin; minus strand). Cytogenetic location: 19q13.12.
Variant type: single nucleotide variant.
Coding change: c.1760T>G on transcript NM_004646.4 (MANE Select); coding-DNA position 1760, T replaced by G.
Protein change: p.Leu587Arg; replaces leucine 587 with arginine.
Molecular consequence: missense variant.
Genome position (GRCh38, 1-based): chr19:35,845,538, A>C on the plus strand (T>G on the coding strand, the complement: NPHS1 is on the minus strand). VCF-style: chr19-35845538-A-C. GRCh37 (hg19) VCF-style: chr19-36336440-A-C.
Other names: short protein forms L587R.
Identifiers: ClinVar variation 56450 (VCV000056450.6), dbSNP rs386833892, ClinGen allele CA250141.
Genomic context (GRCh38, chr19:35,845,538, plus strand): 5'-CTCCTGGCGGCGGCGGAGCCTTTGAATGGGGCTCTCCGGGGTGGGGCGGCCACGCCCTCC[A>C]GCCTGTGGAACCGGGGTCAAGCCAGGGCTGCGAGCGGAGCCAGAGGCTGGAGAGGCACTA-3'
Protein context (NP_004637.1, residues 577-597): NLSWDKEGER[Leu587Arg]EGVAAPPRRA

ClinVar aggregate classification (germline): Pathogenic/Likely pathogenic. Review status: criteria provided, multiple submitters, no conflicts (2 of 4 stars). 4 submissions from 4 submitters: Pathogenic (1); Likely pathogenic (1). 2 of the submissions do not count toward it. Last evaluated 2025-08-12.

Conditions:
Nephrotic syndrome. Identifiers: MedGen C0027726, MONDO:0005377, HP:0000100.
Finnish congenital nephrotic syndrome (NPHS1). Also called: NEPHROTIC SYNDROME, TYPE 1. Identifiers: Orphanet 839, MedGen C0403399, MONDO:0009732, OMIM 256300.

Submissions (4):

Variantyx, Inc.
Classification: Likely pathogenic for Finnish congenital nephrotic syndrome. Last evaluated: 2025-08-12. Review status: criteria provided, single submitter. Criteria: Variantyx Assertion Criteria 2022. Collection method: clinical testing. Allele origin: germline. Inheritance: Autosomal recessive inheritance. Affected: no.
Comment: This is a nonsynonymous variant in the NPHS1 gene (OMIM: 602716). Pathogenic variants in this gene have been associated with autosomal recessive nephrotic syndrome type 1. This variant has been identified in the homozygous or compound heterozygous state in at least 4 individuals reported in the published literature (PMID: 20172850, 29127259, 31456999) (PM3). The alteration lies within a known hotspot for pathogenic variants or a well-established critical functional domain of the NPHS1 protein (PMID: 31216994) (PM1), and multiple computational algorithms predict a deleterious effect for this variant (REVEL score: 0.813) (PP3). This variant is absent from control populations (PM2). Based on the current evidence, this variant is classified as likely pathogenic for autosomal recessive nephrotic syndrome type 1.

Women's Health and Genetics/Laboratory Corporation of America, LabCorp
Classification: Pathogenic for Finnish congenital nephrotic syndrome. Last evaluated: 2023-05-11. Review status: criteria provided, single submitter. Criteria: LabCorp Variant Classification Summary - May 2015. Collection method: clinical testing. Allele origin: germline.
Comment: Variant summary: NPHS1 c.1760T>G (p.Leu587Arg) results in a non-conservative amino acid change located in the CD80-like, immunoglobulin C2-set domain (IPR013162) of the encoded protein sequence. Five of five in-silico tools predict a damaging effect of the variant on protein function. 4/4 computational tools predict no significant impact on normal splicing. However, these predictions have yet to be confirmed by functional studies. The variant was absent in 238368 control chromosomes (gnomAD). c.1760T>G has been reported in the literature as a biallelic genotype in multiple individuals affected with Nephrotic Syndrome (e.g. Schoeb_2010, Warejko_2018, Chen_2019). These data indicate that the variant is very likely to be associated with disease. To our knowledge, no experimental evidence demonstrating an impact on protein function has been reported. The following publications have been ascertained in the context of this evaluation (PMID: 31456999, 20172850, 29127259). One ClinVar submitter has assessed the variant since 2014: the variant was classified as likely pathogenic. Based on the evidence outlined above, the variant was classified as pathogenic.

Yale Center for Mendelian Genomics, Yale University
Classification: Likely pathogenic for Nephrotic syndrome. Last evaluated: 2017-11-10. Review status: no assertion criteria provided. Collection method: literature only. Allele origin: germline. Affected: yes. Observed: 1 homozygote. Study: Yale Center for Mendelian Genomics. Not counted in ClinVar's aggregate classification.

Juha Muilu Group; Institute for Molecular Medicine Finland (FIMM)
Classification: Likely pathogenic for Finnish congenital nephrotic syndrome. Review status: no assertion criteria provided. Collection method: not provided. Allele origin: unknown. Not counted in ClinVar's aggregate classification.
Comment: FinDis database variant: This variant was not found or characterized by our laboratory, data were collected from public sources: see reference
ClinVar note: Converted during submission from probable-pathogenic to Likely pathogenic.

Literature cited by the submitters: PubMed 20172850 (cited by Variantyx, Inc. and Women's Health and Genetics/Laboratory Corporation of America, LabCorp); PubMed 29127259 (cited by 3 submitters); PubMed 31456999 (cited by Variantyx, Inc. and Women's Health and Genetics/Laboratory Corporation of America, LabCorp); PubMed 31216994 (cited by Variantyx, Inc.).